The following is an entry in ClinVar:

ClinVar aggregate classification (germline): Uncertain significance (1 of 4 stars; one submission).

Submission:

Labcorp Genetics (formerly Invitae), Labcorp
Classification: Uncertain significance. Last evaluated: 2023-08-10. Review status: criteria provided, single submitter. Criteria: Invitae Variant Classification Sherloc (09022015). Collection method: clinical testing. Allele origin: germline.
Comment: In summary, the available evidence is currently insufficient to determine the role of this variant in disease. Therefore, it has been classified as a Variant of Uncertain Significance. Advanced modeling of protein sequence and biophysical properties (such as structural, functional, and spatial information, amino acid conservation, physicochemical variation, residue mobility, and thermodynamic stability) performed at Invitae indicates that this missense variant is not expected to disrupt GRIN2D protein function. ClinVar contains an entry for this variant (Variation ID: 2124214). This variant has not been reported in the literature in individuals affected with GRIN2D-related conditions. This variant is not present in population databases (gnomAD no frequency). This sequence change replaces proline, which is neutral and non-polar, with leucine, which is neutral and non-polar, at codon 1005 of the GRIN2D protein (p.Pro1005Leu).

NM_000836.4(GRIN2D):c.3014C>T (p.Pro1005Leu)

Gene: GRIN2D (glutamate ionotropic receptor NMDA type subunit 2D; plus strand). Cytogenetic location: 19q13.33.
Variant type: single nucleotide variant.
Coding change: c.3014C>T on transcript NM_000836.4 (MANE Select); coding-DNA position 3014, C replaced by T.
Protein change: p.Pro1005Leu; replaces proline 1005 with leucine.
Molecular consequence: missense variant.
Genome position (GRCh38, 1-based): chr19:48,442,940, C>T. VCF-style: chr19-48442940-C-T. GRCh37 (hg19) VCF-style: chr19-48946197-C-T.
Other names: short protein forms P1005L.
Identifiers: ClinVar variation 2124214 (VCV002124214.4), dbSNP rs2513692255, ClinGen allele CA406674644.